The following is an entry in ClinVar:

NM_002691.4(POLD1):c.2804C>T (p.Ala935Val)

Gene: POLD1 (DNA polymerase delta 1, catalytic subunit; plus strand). Cytogenetic location: 19q13.33.
Variant type: single nucleotide variant.
Coding change: c.2804C>T on transcript NM_002691.4 (MANE Select); coding-DNA position 2804, C replaced by T.
Protein change: p.Ala935Val; replaces alanine 935 with valine.
Molecular consequence: missense variant.
Genome position (GRCh38, 1-based): chr19:50,415,810, C>T. VCF-style: chr19-50415810-C-T. GRCh37 (hg19) VCF-style: chr19-50919067-C-T.
Other names: c.2804C>T (NM_002691.2); c.2804C>T, p.Ala935Val (NM_001256849.1); c.2882C>T, p.Ala961Val (NM_001308632.1); short protein forms A935V, A961V.
Identifiers: ClinVar variation 837232 (VCV000837232.10), dbSNP rs2039265888, ClinGen allele CA406986079.
Genomic context (GRCh38, chr19:50,415,810, plus strand): 5'-CGCCCAGCCTGGGCGACCGCGTCCCCTACGTGATCATCAGTGCCGCCAAGGGTGTGGCCG[C>T]CTACATGAAGTCGGAGGTCAGGCCCACCTGGCTGCCTGCTCCCGCCCAGCCCCCTCGCTC-3'
Protein context (NP_002682.2, residues 925-945): VIISAAKGVA[Ala935Val]YMKSEDPLFV

ClinVar aggregate classification (germline): Uncertain significance. Review status: criteria provided, multiple submitters, no conflicts (2 of 4 stars). 2 submissions from 2 submitters: Uncertain significance (2). Last evaluated 2024-08-17.

Conditions:
Hereditary cancer-predisposing syndrome. Also called: Tumor predisposition; Hereditary Cancer Syndrome; Hereditary neoplastic syndrome; Neoplastic Syndromes, Hereditary. Identifiers: Orphanet 140162, MedGen C0027672, MeSH D009386, MONDO:0015356.
POLD1-related polyposis and colorectal cancer syndrome (CRCS10). Also called: Colorectal cancer 10; COLORECTAL CANCER, SUSCEPTIBILITY TO, ON CHROMOSOME 19q; Colorectal cancer, susceptibility to, 10. Identifiers: Orphanet 220460, MedGen C2675481, MONDO:0012953, OMIM 612591.

Allele frequency attached by ClinVar (database versions not stated): gnomAD exomes 0.00001.
gnomAD v4.1: 7 of 1,538,642 alleles (0.00045%); highest among the groups gnomAD compares: Non-Finnish European, 0.00061%; no homozygotes.

Submissions (2):

Ambry Genetics
Classification: Uncertain significance for Hereditary cancer-predisposing syndrome. Last evaluated: 2024-08-17. Review status: criteria provided, single submitter. Criteria: Ambry Variant Classification Scheme 2023. Collection method: clinical testing. Allele origin: germline.
Comment: The p.A935V variant (also known as c.2804C>T), located in coding exon 21 of the POLD1 gene, results from a C to T substitution at nucleotide position 2804. The alanine at codon 935 is replaced by valine, an amino acid with similar properties. This amino acid position is conserved. In addition, this alteration is predicted to be tolerated by in silico analysis. Based on the available evidence, the clinical significance of this variant remains unclear.

Labcorp Genetics (formerly Invitae), Labcorp
Classification: Uncertain significance for POLD1-related polyposis and colorectal cancer syndrome. Last evaluated: 2019-11-18. Review status: criteria provided, single submitter. Criteria: Invitae Variant Classification Sherloc (09022015). Collection method: clinical testing. Allele origin: germline.
Comment: In summary, the available evidence is currently insufficient to determine the role of this variant in disease. Therefore, it has been classified as a Variant of Uncertain Significance. Algorithms developed to predict the effect of missense changes on protein structure and function are either unavailable or do not agree on the potential impact of this missense change (SIFT: "Deleterious"; PolyPhen-2: "Probably Damaging"; Align-GVGD: "Class C0"). This variant has not been reported in the literature in individuals with POLD1-related conditions. The frequency data for this variant in the population databases is considered unreliable, as metrics indicate insufficient coverage at this position in the ExAC database. This sequence change replaces alanine with valine at codon 935 of the POLD1 protein (p.Ala935Val). The alanine residue is moderately conserved and there is a small physicochemical difference between alanine and valine.